The following is an entry in ClinVar:

NM_001369.3(DNAH5):c.6962G>A (p.Trp2321Ter)

Gene: DNAH5 (dynein axonemal heavy chain 5; minus strand). Cytogenetic location: 5p15.2.
Variant type: single nucleotide variant.
Coding change: c.6962G>A on transcript NM_001369.3 (MANE Select); coding-DNA position 6962, G replaced by A.
Protein change: p.Trp2321Ter; replaces tryptophan 2321 with a stop codon.
Molecular consequence: nonsense.
Genome position (GRCh38, 1-based): chr5:13,817,574, C>T on the plus strand (G>A on the coding strand, the complement: DNAH5 is on the minus strand). VCF-style: chr5-13817574-C-T. GRCh37 (hg19) VCF-style: chr5-13817683-C-T.
Other names: short protein forms W2321*.
Identifiers: ClinVar variation 1353510 (VCV001353510.6), dbSNP rs2151807051, ClinGen allele CA359192547.

ClinVar aggregate classification (germline): Pathogenic (1 of 4 stars; one submission).

Conditions:
Primary ciliary dyskinesia. Also called: Ciliary dyskinesia. Identifiers: Orphanet 244, MedGen C0008780, MONDO:0016575, HP:0012265.

gnomAD v4.1: 3 of 1,614,098 alleles (0.00019%); highest among the groups gnomAD compares: South Asian, 0.0033%; no homozygotes.

Submission:

Labcorp Genetics (formerly Invitae), Labcorp
Classification: Pathogenic for Primary ciliary dyskinesia. Last evaluated: 2023-07-07. Review status: criteria provided, single submitter. Criteria: Invitae Variant Classification Sherloc (09022015). Collection method: clinical testing. Allele origin: germline.
Comment: ClinVar contains an entry for this variant (Variation ID: 1353510). This variant has not been reported in the literature in individuals affected with DNAH5-related conditions. This variant is not present in population databases (gnomAD no frequency). This sequence change creates a premature translational stop signal (p.Trp2321*) in the DNAH5 gene. It is expected to result in an absent or disrupted protein product. Loss-of-function variants in DNAH5 are known to be pathogenic (PMID: 11788826, 16627867). For these reasons, this variant has been classified as Pathogenic.

Literature cited by the submitters: PubMed 11788826; PubMed 16627867.